The following is an entry in ClinVar:

NM_004766.3(COPB2):c.229-10_229-9del

Gene: COPB2 (COPI coat complex subunit beta 2; minus strand). Cytogenetic location: 3q23.
Variant type: Deletion.
Coding change: c.229-10_229-9del on transcript NM_004766.3 (MANE Select); 10 bases into the intron before coding-DNA position 229 through 9 bases into the intron before coding-DNA position 229, 2 bases deleted (CT; older notation c.229-10_229-9delCT).
Molecular consequence: intron variant.
Genome position (GRCh38, 1-based): chr3:139,379,182-139,379,183, AG deleted on the plus strand (CT on the coding strand, the reverse complement: COPB2 is on the minus strand); deleting any 2 consecutive bases within chr3:139,379,182-139,379,184 gives the same sequence; the c. name uses the placement nearest the transcript's 3' end. VCF-style (leftmost placement, unchanged base first): chr3-139379181-CAG-C. GRCh37 (hg19) VCF-style: chr3-139098023-CAG-C.
Other names: c.142-10_142-9del (NM_001410834.1).
Identifiers: ClinVar variation 3050038 (VCV003050038.2), dbSNP rs575521367, ClinGen allele CA2641564.

ClinVar aggregate classification (germline): Likely benign (0 of 4 stars; one submission).

Conditions:
COPB2-related disorder. Also called: COPB2-related condition.

Submission:

PreventionGenetics, part of Exact Sciences
Classification: Likely benign for COPB2-related condition. Last evaluated: 2019-07-12. Review status: no assertion criteria provided. Collection method: clinical testing. Allele origin: germline.
Comment: This variant is classified as likely benign based on ACMG/AMP sequence variant interpretation guidelines (Richards et al. 2015 PMID: 25741868, with internal and published modifications).